The following is an entry in ClinVar:

ClinVar aggregate classification (germline): Pathogenic (1 of 4 stars; one submission).

Conditions:
Neurofibromatosis, type 1 (NF1). Also called: Neurofibromatosis, type I; VON RECKLINGHAUSEN DISEASE; NEUROFIBROMATOSIS, TYPE I, SOMATIC; Peripheral type neurofibromatosis. Identifiers: Orphanet 636, MedGen C0027831, MONDO:0018975, OMIM 162200. Disease mechanism: loss of function.

Submission:

Labcorp Genetics (formerly Invitae), Labcorp
Classification: Pathogenic for Neurofibromatosis, type 1. Last evaluated: 2020-11-15. Review status: criteria provided, single submitter. Criteria: Invitae Variant Classification Sherloc (09022015). Collection method: clinical testing. Allele origin: germline.
Comment: For these reasons, this variant has been classified as Pathogenic. This variant has not been reported in the literature in individuals with NF1-related conditions. This variant is not present in population databases (ExAC no frequency). This sequence change creates a premature translational stop signal (p.Glu2671Profs*15) in the NF1 gene. It is expected to result in an absent or disrupted protein product. Loss-of-function variants in NF1 are known to be pathogenic (PMID: 10712197, 23913538).

Literature cited by the submitters: PubMed 10712197; PubMed 23913538.

NM_001042492.3(NF1):c.8073_8080del (p.Glu2692fs)

Gene: NF1 (neurofibromin 1; plus strand). Cytogenetic location: 17q11.2.
Variant type: Deletion.
Coding change: c.8073_8080del on transcript NM_001042492.3 (MANE Select); coding-DNA positions 8073 to 8080, 8 bases deleted (TGAAGAAT; older notation c.8073_8080delTGAAGAAT).
Protein change: p.Glu2692fs; shifts the reading frame from glutamic acid 2692.
Molecular consequence: frameshift variant.
Genome position (GRCh38, 1-based): chr17:31,358,582-31,358,589, TGAAGAAT deleted. VCF-style (leftmost placement, unchanged base first): chr17-31358581-ATGAAGAAT-A. GRCh37 (hg19) VCF-style: chr17-29685599-ATGAAGAAT-A.
Other names: c.8010_8017delTGAAGAAT, p.Glu2671Profs (NM_000267.4); short protein forms E2671fs, E2692fs.
Identifiers: ClinVar variation 1454448 (VCV001454448.6), dbSNP rs2151585076, ClinGen allele CA2573153457.